The following is an entry in ClinVar:

ClinVar aggregate classification (germline): Conflicting classifications of pathogenicity. Review status: criteria provided, conflicting classifications (1 of 4 stars). 4 submissions from 3 submitters: Uncertain significance (1); Benign (1); Likely benign (2). Last evaluated 2022-02-18.

Conditions:
Disorders of Intracellular Cobalamin Metabolism. Identifiers: MedGen CN043592.
Methylmalonic aciduria and homocystinuria type cblD (MAHCD). Also called: Methylmalonic aciduria with homocystinuria cblD type; METHYLMALONIC ACIDEMIA, cblH TYPE. Identifiers: Orphanet 622, Orphanet 79283, MedGen C1848552, MONDO:0010185, OMIM 277410.

Allele frequency attached by ClinVar (database versions not stated): gnomAD exomes 0.00024 and 0.00073; ExAC 0.00088; 1000 Genomes Project 0.00140; 1000 Genomes Project 30x 0.00172; gnomAD 0.00264 and 0.00282; TOPMed 0.00328; ESP Exome Variant Server 0.00392.
gnomAD v4.1: 765 of 1,613,754 alleles (0.047%); highest among the groups gnomAD compares: African/African-American, 0.87%; 3 homozygotes.

Submissions (4):

Women's Health and Genetics/Laboratory Corporation of America, LabCorp
Classification: Uncertain significance. Last evaluated: 2022-02-18. Review status: criteria provided, single submitter. Criteria: LabCorp Variant Classification Summary - May 2015. Collection method: clinical testing. Allele origin: germline.

Illumina Laboratory Services, Illumina
Classification: Likely benign for Methylmalonic aciduria and homocystinuria type cblD. Last evaluated: 2018-01-13. Review status: criteria provided, single submitter. Criteria: ICSL Variant Classification Criteria 13 December 2019. Collection method: clinical testing. Allele origin: germline.
Comment: This variant was observed in the ICSL laboratory as part of a predisposition screen in an ostensibly healthy population. It had not been previously curated by ICSL or reported in the Human Gene Mutation Database (HGMD: prior to June 1st, 2018), and was therefore a candidate for classification through an automated scoring system. Utilizing variant allele frequency, disease prevalence and penetrance estimates, and inheritance mode, an automated score was calculated to assess if this variant is too frequent to cause the disease. Based on the score and internal cut-off values, a variant classified as likely benign is not then subjected to further curation. The score for this variant resulted in a classification of likely benign for this disease.

Illumina Laboratory Services, Illumina
Classification: Likely benign for Disorders of Intracellular Cobalamin Metabolism. Last evaluated: 2018-01-13. Review status: criteria provided, single submitter. Criteria: ICSL Variant Classification Criteria 13 December 2019. Collection method: clinical testing. Allele origin: germline.
Comment: the same text as in the submission from Illumina Laboratory Services, Illumina above.

GeneDx
Classification: Benign. Last evaluated: 2015-07-17. Review status: criteria provided, single submitter. Criteria: GeneDx Variant Classification (06012015). Collection method: clinical testing. Allele origin: germline. Affected: yes.
Comment: This variant is considered likely benign or benign based on one or more of the following criteria: it is a conservative change, it occurs at a poorly conserved position in the protein, it is predicted to be benign by multiple in silico algorithms, and/or has population frequency not consistent with disease.

NM_015702.3(MMADHC):c.-8C>T

Genes: MMADHC (metabolism of cobalamin associated D; minus strand), LOC126806368 (MED14-independent group 3 enhancer GRCh37_chr2:150443500-150444699; plus strand). Cytogenetic location: 2q23.2.
Variant type: single nucleotide variant.
Coding change: c.-8C>T on transcript NM_015702.3 (MANE Select); 8 bases upstream of the start codon, C replaced by T.
Molecular consequence: 5 prime UTR variant.
Genome position (GRCh38, 1-based): chr2:149,587,105, G>A on the plus strand (C>T on the coding strand, the complement: MMADHC is on the minus strand). VCF-style: chr2-149587105-G-A. GRCh37 (hg19) VCF-style: chr2-150443619-G-A.
Identifiers: ClinVar variation 378151 (VCV000378151.7), dbSNP rs180812156, ClinGen allele CA1902533.